The following is an entry in ClinVar:

ClinVar aggregate classification (germline): Benign. Review status: criteria provided, multiple submitters, no conflicts (2 of 4 stars). 2 submissions from 2 submitters: Benign (2). Last evaluated 2018-06-20.

Allele frequency attached by ClinVar (database versions not stated): 1000 Genomes Project 30x 0.47939; 1000 Genomes Project 0.48842; TOPMed 0.53277; gnomAD 0.54458 and 0.54954.
gnomAD v4.1: 576,597 of 892,638 alleles (65%); highest among the groups gnomAD compares: Middle Eastern, 76%; 194,057 homozygotes.

Submissions (2):

GeneDx
Classification: Benign. Last evaluated: 2018-06-20. Review status: criteria provided, single submitter. Criteria: GeneDx Variant Classification (06012015). Collection method: clinical testing. Allele origin: germline. Affected: yes.
Comment: This variant is considered likely benign or benign based on one or more of the following criteria: it is a conservative change, it occurs at a poorly conserved position in the protein, it is predicted to be benign by multiple in silico algorithms, and/or has population frequency not consistent with disease.

Breakthrough Genomics
Classification: Benign. Review status: criteria provided, single submitter. Criteria: ACMG Guidelines, 2015. Collection method: not provided. Allele origin: germline. Inheritance: Autosomal dominant inheritance. Affected: yes.

NM_001042492.3(NF1):c.480-90C>T

Gene: NF1 (neurofibromin 1; plus strand). Cytogenetic location: 17q11.2.
Variant type: single nucleotide variant.
Coding change: c.480-90C>T on transcript NM_001042492.3 (MANE Select); 90 bases into the intron before coding-DNA position 480, C replaced by T.
Molecular consequence: intron variant.
Genome position (GRCh38, 1-based): chr17:31,169,801, C>T. VCF-style: chr17-31169801-C-T. GRCh37 (hg19) VCF-style: chr17-29496819-C-T.
Other names: c.480-90C>T (NM_000267.4, NM_001128147.3).
Identifiers: ClinVar variation 561464 (VCV000561464.2), dbSNP rs2905807, ClinGen allele CA15915058.